The following is an entry in ClinVar:

ClinVar aggregate classification (germline): Uncertain significance (1 of 4 stars; one submission).

Allele frequency attached by ClinVar (database versions not stated): gnomAD exomes below 0.00001.
gnomAD v4.1: 1 of 1,614,132 alleles (0.000062%); highest among the groups gnomAD compares: Non-Finnish European, 0.000085%; no homozygotes.

Submission:

Labcorp Genetics (formerly Invitae), Labcorp
Classification: Uncertain significance. Last evaluated: 2023-08-04. Review status: criteria provided, single submitter. Criteria: Invitae Variant Classification Sherloc (09022015). Collection method: clinical testing. Allele origin: germline.
Comment: This sequence change replaces aspartic acid, which is acidic and polar, with asparagine, which is neutral and polar, at codon 368 of the MMP9 protein (p.Asp368Asn). This variant is not present in population databases (gnomAD no frequency). This variant has not been reported in the literature in individuals affected with MMP9-related conditions. Advanced modeling of protein sequence and biophysical properties (such as structural, functional, and spatial information, amino acid conservation, physicochemical variation, residue mobility, and thermodynamic stability) has been performed at Invitae for this missense variant, however the output from this modeling did not meet the statistical confidence thresholds required to predict the impact of this variant on MMP9 protein function. In summary, the available evidence is currently insufficient to determine the role of this variant in disease. Therefore, it has been classified as a Variant of Uncertain Significance.

NM_004994.3(MMP9):c.1102G>A (p.Asp368Asn)

Gene: MMP9 (matrix metallopeptidase 9; plus strand). Cytogenetic location: 20q13.12.
Variant type: single nucleotide variant.
Coding change: c.1102G>A on transcript NM_004994.3 (MANE Select); coding-DNA position 1102, G replaced by A.
Protein change: p.Asp368Asn; replaces aspartic acid 368 with asparagine.
Molecular consequence: missense variant.
Genome position (GRCh38, 1-based): chr20:46,012,241, G>A. VCF-style: chr20-46012241-G-A. GRCh37 (hg19) VCF-style: chr20-44640880-G-A.
Other names: short protein forms D368N.
Identifiers: ClinVar variation 2813388 (VCV002813388.3), dbSNP rs2515613744, ClinGen allele CA409217086.